The following is an entry in ClinVar:

ClinVar aggregate classification (germline): Uncertain significance (1 of 4 stars; one submission).

Conditions:
TRAF7-related disorder. Also called: TRAF7-related condition.

Submission:

PreventionGenetics, part of Exact Sciences
Classification: Uncertain significance for TRAF7-related condition. Last evaluated: 2025-08-21. Review status: criteria provided, single submitter. Criteria: ACMG Guidelines, 2015. Collection method: clinical testing. Allele origin: germline.
Comment: The TRAF7 c.1076C>A variant is predicted to result in the amino acid substitution p.Ser359Tyr. To our knowledge, this variant has not been reported in the literature or in a large population database (gnomAD), indicating this variant is rare. At this time, the clinical significance of this variant is uncertain due to the absence of conclusive functional and genetic evidence.

NM_032271.3(TRAF7):c.1076C>A (p.Ser359Tyr)

Gene: TRAF7 (TNF receptor associated factor 7; plus strand). Cytogenetic location: 16p13.3.
Variant type: single nucleotide variant.
Coding change: c.1076C>A on transcript NM_032271.3 (MANE Select); coding-DNA position 1076, C replaced by A.
Protein change: p.Ser359Tyr; replaces serine 359 with tyrosine.
Molecular consequence: missense variant.
Genome position (GRCh38, 1-based): chr16:2,173,544, C>A. VCF-style: chr16-2173544-C-A. GRCh37 (hg19) VCF-style: chr16-2223545-C-A.
Other names: short protein forms S359Y.
Identifiers: ClinVar variation 4991663 (VCV004991663.1).